The following is an entry in ClinVar:

NM_004446.3(EPRS1):c.4300_4301delinsTT (p.Gln1434Leu)

Gene: EPRS1 (glutamyl-prolyl-tRNA synthetase 1; minus strand). Cytogenetic location: 1q41.
Variant type: Indel.
Coding change: c.4300_4301delinsTT on transcript NM_004446.3 (MANE Select); coding-DNA positions 4300 to 4301, CA replaced by TT.
Protein change: p.Gln1434Leu; replaces glutamine 1434 with leucine.
Molecular consequence: missense variant.
Genome position (GRCh38, 1-based): chr1:219,972,091-219,972,092, TG replaced by AA on the plus strand (CA replaced by TT on the coding strand, the reverse complement: EPRS1 is on the minus strand). VCF-style: chr1-219972091-TG-AA. GRCh37 (hg19) VCF-style: chr1-220145433-TG-AA.
Other names: short protein forms Q1434L.
Identifiers: ClinVar variation 1680852 (VCV001680852.5), dbSNP rs2102558296, ClinGen allele CA2573132762.

ClinVar aggregate classification (germline): Uncertain significance (1 of 4 stars; one submission).

Submission:

Labcorp Genetics (formerly Invitae), Labcorp
Classification: Uncertain significance. Last evaluated: 2022-07-11. Review status: criteria provided, single submitter. Criteria: Invitae Variant Classification Sherloc (09022015). Collection method: clinical testing. Allele origin: germline.
Comment: This sequence change replaces glutamine, which is neutral and polar, with leucine, which is neutral and non-polar, at codon 1434 of the EPRS protein (p.Gln1434Leu). This variant is present in population databases (no rsID available, gnomAD 0.4%). This variant has not been reported in the literature in individuals affected with EPRS-related conditions. ClinVar contains an entry for this variant (Variation ID: 1680852). Algorithms developed to predict the effect of missense changes on protein structure and function are either unavailable or do not agree on the potential impact of this missense change (SIFT: "Not Available"; PolyPhen-2: "Benign"; Align-GVGD: "Not Available"). In summary, the available evidence is currently insufficient to determine the role of this variant in disease. Therefore, it has been classified as a Variant of Uncertain Significance.